The following is an entry in ClinVar:

NM_182961.4(SYNE1):c.14945G>A (p.Arg4982His)

Gene: SYNE1 (spectrin repeat containing nuclear envelope protein 1; minus strand). Cytogenetic location: 6q25.2.
Variant type: single nucleotide variant.
Coding change: c.14945G>A on transcript NM_182961.4 (MANE Select); coding-DNA position 14945, G replaced by A.
Protein change: p.Arg4982His; replaces arginine 4982 with histidine.
Molecular consequence: missense variant.
Genome position (GRCh38, 1-based): chr6:152,329,740, C>T on the plus strand (G>A on the coding strand, the complement: SYNE1 is on the minus strand). VCF-style: chr6-152329740-C-T. GRCh37 (hg19) VCF-style: chr6-152650875-C-T.
Other names: c.14732G>A, p.Arg4911His (NM_033071.5); short protein forms R4911H, R4982H.
Identifiers: ClinVar variation 538408 (VCV000538408.9), dbSNP rs754495941, ClinGen allele CA4055917.
Genomic context (GRCh38, chr6:152,329,740, plus strand): 5'-TACAAATAAGCAGAGTGGAAAAAAGAGAAGTGAAGTCCTATTATACCCACCTGTCTGGTG[C>T]GTAAGGCTTCCTGGATGTCTCCATCCAGCTCTGAGAGCTCAGCGAGGCTGTGTTCTAAAT-3'
Protein context (NP_892006.3, residues 4972-4992): ELDGDIQEAL[Arg4982His]TRQATLTEIY

ClinVar aggregate classification (germline): Uncertain significance. Review status: criteria provided, multiple submitters, no conflicts (2 of 4 stars). 2 submissions from 2 submitters: Uncertain significance (2). Last evaluated 2024-10-30.

Conditions:
Autosomal recessive ataxia, Beauce type. Also called: SYNE1-Related Autosomal Recessive Cerebellar Ataxia; Spinocerebellar ataxia, autosomal recessive 8; ATAXIA, RECESSIVE, OF BEAUCE; SYNE1 Deficiency. Identifiers: Orphanet 88644, MedGen C1853116, MONDO:0012549, OMIM 610743.
Emery-Dreifuss muscular dystrophy 4, autosomal dominant (EDMD4). Also called: EMERY-DREIFUSS MUSCULAR DYSTROPHY 4 WITH VARIABLE FEATURES. Identifiers: Orphanet 261, MedGen C2751807, MONDO:0013071, OMIM 612998.
Arthrogryposis multiplex congenita 3, myogenic type. Also called: ARTHROGRYPOSIS MULTIPLEX CONGENITA, MYOGENIC TYPE. Identifiers: MedGen C5193121, MONDO:0032778, OMIM 618484.

Allele frequency attached by ClinVar (database versions not stated): ExAC 0.00002; gnomAD 0.00002; gnomAD exomes 0.00002; TOPMed 0.00004.
gnomAD v4.1: 31 of 1,614,038 alleles (0.0019%); highest among the groups gnomAD compares: Admixed American, 0.0033%; no homozygotes.

Submissions (2):

Labcorp Genetics (formerly Invitae), Labcorp
Classification: Uncertain significance for Emery-Dreifuss muscular dystrophy 4, autosomal dominant; Autosomal recessive ataxia, Beauce type. Last evaluated: 2024-10-30. Review status: criteria provided, single submitter. Criteria: Invitae Variant Classification Sherloc (09022015). Collection method: clinical testing. Allele origin: germline.
Comment: This sequence change replaces arginine, which is basic and polar, with histidine, which is basic and polar, at codon 4911 of the SYNE1 protein (p.Arg4911His). This variant is present in population databases (rs754495941, gnomAD 0.006%). This variant has not been reported in the literature in individuals affected with SYNE1-related conditions. ClinVar contains an entry for this variant (Variation ID: 538408). An algorithm developed to predict the effect of missense changes on protein structure and function (PolyPhen-2) suggests that this variant¬¨‚Ä†is likely to be tolerated. In summary, the available evidence is currently insufficient to determine the role of this variant in disease. Therefore, it has been classified as a Variant of Uncertain Significance.

Department of Pathology and Laboratory Medicine, Sinai Health System
Classification: Uncertain significance for Autosomal recessive ataxia, Beauce type; Emery-Dreifuss muscular dystrophy 4, autosomal dominant; Arthrogryposis multiplex congenita 3, myogenic type. Last evaluated: 2020-04-30. Review status: criteria provided, single submitter. Criteria: ACMG Guidelines, 2015. Collection method: research. Allele origin: germline.